The following is an entry in ClinVar:

ClinVar aggregate classification (germline): Likely benign. Review status: reviewed by expert panel (3 of 4 stars). 6 submissions from 6 submitters: Likely benign (1). 5 of the submissions do not count toward it. Last evaluated 2025-04-11.

Conditions:
Inborn genetic diseases. Identifiers: MedGen C0950123, MeSH D030342.
Creatine transporter deficiency (CCDS1). Also called: Creatine Transporter (CRTR) Deficiency; SLC6A8-Related Creatine Transporter Deficiency; CREATINE TRANSPORTER DEFECT; CEREBRAL CREATINE DEFICIENCY SYNDROME 1; Mental retardation , X-linked with seizures, short stature and midface hypoplasia; Mental retardation , X-linked, with creatine transport deficiency. Identifiers: Orphanet 52503, MedGen C1845862, MONDO:0010305, OMIM 300352.

Allele frequency attached by ClinVar (database versions not stated): gnomAD 0.00005 and 0.00006; ExAC 0.00003; gnomAD exomes 0.00003 and 0.00004; TOPMed 0.00003.
gnomAD v4.1: 60 of 1,209,210 alleles (0.005%); highest among the groups gnomAD compares: Non-Finnish European, 0.0058%; no homozygotes.

Submissions (6):

ClinGen Cerebral Creatine Deficiency Syndromes Variant Curation Expert Panel, ClinGen
Classification: Likely benign for Creatine transporter deficiency. Last evaluated: 2025-04-11. Review status: reviewed by expert panel. Criteria: ClinGen_CCDS_ACMG_Specifications_SLC6A8_v1.1. Collection method: curation. Allele origin: germline. Inheritance: X-linked inheritance.
Comment: The NM_005629.4:c.1025T>C variant in SLC6A8 is a missense variant predicted to cause the substitution of an isoleucine by a threonine at amino acid position 342 (p.Ile342Thr). To our knowledge, this variant has not been reported in the literature and no functional studies are available. In gnomAD v4.1.0. the highest population minor allele frequency (MAF) is 0.00005812 (52/894699; 14 hemizygotes) in the European non-Finnish population. This is greater than the ClinGen CCDS VCEP’s threshold for PM2_Supporting (<0.00002) but less than the ClinGen CCDS VCEP’s threshold for BS1 (>0.0002), such that neither of these criteria are met. There is a total of 16 hemizygotes in gnomAD v4.1.0.; 14 in the European non-Finnish population and 2 in the "remaining" population (BS2). The computational predictor REVEL gives a score of 0.64 (PP3), which is less than the ClinGen CCDS VCEP’s threshold for PP3 (>0.75) but greater than the ClinGen CCDS VCEP’s threshold for BP4 (<0.2), such that neither of these criteria are met. There is a ClinVar entry for this variant (Variation ID: 448419). Due to the presence of 16 hemizygotes in gnomAD v4.1.0 in the absence of any evidence for pathogenicity, the consensus of the ClinGen CCDS VCEP is to classify this variant as likely benign for creatine transporter deficiency, a severe, pediatric onset neurodevelopmental disorder. SLC6A8-specific criteria applied, as specified by the ClinGen CCDS VCEP (Specifications Version 1.1.0): BS2 (Classification approved by the ClinGen CCDS VCEP on April 11, 2025)

Ambry Genetics
Classification: Likely benign for Inborn genetic diseases. Last evaluated: 2025-07-14. Review status: criteria provided, single submitter. Criteria: Ambry Variant Classification Scheme 2023. Collection method: clinical testing. Allele origin: germline. Not counted in ClinVar's aggregate classification.

Labcorp Genetics (formerly Invitae), Labcorp
Classification: Likely benign for Creatine transporter deficiency. Last evaluated: 2024-05-06. Review status: criteria provided, single submitter. Criteria: Invitae Variant Classification Sherloc (09022015). Collection method: clinical testing. Allele origin: germline. Not counted in ClinVar's aggregate classification.

GeneDx
Classification: Uncertain significance. Last evaluated: 2024-01-25. Review status: criteria provided, single submitter. Criteria: GeneDx Variant Classification Process June 2021. Collection method: clinical testing. Allele origin: germline. Affected: yes. Not counted in ClinVar's aggregate classification.
Comment: In silico analysis supports that this missense variant has a deleterious effect on protein structure/function; Has not been previously published as pathogenic or benign to our knowledge

Women's Health and Genetics/Laboratory Corporation of America, LabCorp
Classification: Uncertain significance. Last evaluated: 2023-11-21. Review status: criteria provided, single submitter. Criteria: LabCorp Variant Classification Summary - May 2015. Collection method: clinical testing. Allele origin: germline. Not counted in ClinVar's aggregate classification.
Comment: Variant summary: SLC6A8 c.1025T>C (p.Ile342Thr) results in a non-conservative amino acid change in the encoded protein sequence. Three of five in-silico tools predict a damaging effect of the variant on protein function. The variant allele was found at a frequency of 2.7e-05 in 183371 control chromosomes (gnomAD). The available data on variant occurrences in the general population are insufficient to allow any conclusion about variant significance. To our knowledge, no occurrence of c.1025T>C in individuals affected with Creatine Deficiency, X-Linked and no experimental evidence demonstrating its impact on protein function have been reported. Three submitters have cited clinical-significance assessments for this variant to ClinVar after 2014 (VUS, n=2; likely benign, n=1). Based on the evidence outlined above, the variant was classified as uncertain significance.

Athena Diagnostics
Classification: Uncertain significance. Last evaluated: 2017-07-17. Review status: criteria provided, single submitter. Criteria: Athena Diagnostics Criteria. Collection method: clinical testing. Allele origin: germline. Not counted in ClinVar's aggregate classification.

NM_005629.4(SLC6A8):c.1025T>C (p.Ile342Thr)

Gene: SLC6A8 (solute carrier family 6 member 8; plus strand). Cytogenetic location: Xq28.
Variant type: single nucleotide variant.
Coding change: c.1025T>C on transcript NM_005629.4 (MANE Select); coding-DNA position 1025, T replaced by C.
Protein change: p.Ile342Thr; replaces isoleucine 342 with threonine.
Molecular consequence: missense variant. On other transcripts: intron variant (1).
Genome position (GRCh38, 1-based): chrX:153,693,470, T>C. VCF-style: chrX-153693470-T-C. GRCh37 (hg19) VCF-style: chrX-152958925-T-C.
Other names: NM_005629.4(SLC6A8):c.1025T>C; c.680T>C, p.Ile227Thr (NM_001142806.1); c.1017-22T>C (NM_001142805.2); short protein forms I342T, I227T.
Identifiers: ClinVar variation 448419 (VCV000448419.19), dbSNP rs781962672, ClinGen allele CA10549409.